The following is an entry in ClinVar:

NM_201384.3(PLEC):c.801C>T (p.Asp267=)

Gene: PLEC (plectin; minus strand). Cytogenetic location: 8q24.3.
Variant type: single nucleotide variant.
Coding change: c.801C>T on transcript NM_201384.3 (MANE Select); coding-DNA position 801, C replaced by T.
Protein change: p.Asp267=; no amino-acid change (aspartic acid 267 retained).
Molecular consequence: synonymous variant.
Genome position (GRCh38, 1-based): chr8:143,935,035, G>A on the plus strand (C>T on the coding strand, the complement: PLEC is on the minus strand). VCF-style: chr8-143935035-G-A. GRCh37 (hg19) VCF-style: chr8-145009203-G-A.
Other names: p.Asp253=; c.882C>T, p.Asp294= (NM_000445.5); c.759C>T, p.Asp253= (NM_201378.4); c.735C>T, p.Asp245= (NM_201379.3); c.1212C>T, p.Asp404= (NM_201380.4); c.705C>T, p.Asp235= (NM_201381.3); c.801C>T, p.Asp267= (NM_201382.4); c.813C>T, p.Asp271= (NM_201383.3).
Identifiers: ClinVar variation 385141 (VCV000385141.20), dbSNP rs202218097, ClinGen allele CA4928313.

ClinVar aggregate classification (germline): Benign/Likely benign. Review status: criteria provided, multiple submitters, no conflicts (2 of 4 stars). 8 submissions from 8 submitters: Benign (2); Likely benign (6). Last evaluated 2026-02-12.

Conditions:
Autosomal recessive limb-girdle muscular dystrophy type 2Q (LGMDR17). Also called: MUSCULAR DYSTROPHY, LIMB-GIRDLE, AUTOSOMAL RECESSIVE 17. Identifiers: Orphanet 254361, MedGen C3150989, MONDO:0013390, OMIM 613723.
Epidermolysis bullosa simplex 5B, with muscular dystrophy (EBS5B). Also called: EPIDERMOLYSIS BULLOSA SIMPLEX AND LIMB-GIRDLE MUSCULAR DYSTROPHY; Epidermolysis bullosa simplex with muscular dystrophy. Identifiers: Orphanet 257, MedGen C2931072, MONDO:0009181, OMIM 226670.
Epidermolysis bullosa simplex with nail dystrophy (EBS5D). Identifiers: MedGen C4225309, MONDO:0014661, OMIM 616487.
Junctional epidermolysis bullosa with pyloric atresia. Also called: APLASIA CUTIS CONGENITA WITH GASTROINTESTINAL ATRESIA; CARMI SYNDROME; EB-PA-ACC; Epidermolysis bullosa, junctional, with pyloric atresia and aplasia cutis congenita; Epidermolysis bullosa junctionalis with pyloric atresia; EPIDERMOLYSIS BULLOSA, JUNCTIONAL 5B, WITH PYLORIC ATRESIA. Identifiers: Orphanet 79403, MedGen C5676875, MONDO:0009183, OMIM 226730.
Epidermolysis bullosa simplex, Ogna type (EBS5A). Also called: Pidermolysis bullosa simplex 5A, Ogna type; EPIDERMOLYSIS BULLOSA SIMPLEX 5A, OGNA TYPE. Identifiers: Orphanet 79401, MedGen C0432317, MONDO:0007555, OMIM 131950.
Epidermolysis bullosa simplex 5C, with pyloric atresia (EBS5C). Also called: PLEC1-Related Epidermolysis Bullosa with Pyloric Atresia; PLEC-Related Epidermolysis Bullosa with Pyloric Atresia; Epidermolysis bullosa simplex with pyloric atresia. Identifiers: Orphanet 158684, MedGen C2677349, MONDO:0012807, OMIM 612138.
PLEC-related disorder. Also called: PLEC-related disorders; PLEC-related condition.

Allele frequency attached by ClinVar (database versions not stated): ESP Exome Variant Server 0.00016; gnomAD 0.00017 and 0.00031; gnomAD exomes 0.00021 and 0.00060; TOPMed 0.00039; ExAC 0.00052; 1000 Genomes Project 30x 0.00109; 1000 Genomes Project 0.00120.
gnomAD v4.1: 360 of 1,612,758 alleles (0.022%); highest among the groups gnomAD compares: East Asian, 0.57%; 1 homozygote.

Submissions (8):

PreventionGenetics, part of Exact Sciences
Classification: Likely benign for PLEC-related condition. Last evaluated: 2026-02-12. Review status: criteria provided, single submitter. Criteria: ACMG Guidelines, 2015. Collection method: clinical testing. Allele origin: germline.
Comment: This variant is classified as likely benign based on ACMG/AMP sequence variant interpretation guidelines (Richards et al. 2015 PMID: 25741868, with internal and published modifications).

Labcorp Genetics (formerly Invitae), Labcorp
Classification: Benign for Autosomal recessive limb-girdle muscular dystrophy type 2Q; Epidermolysis bullosa simplex, Ogna type; Epidermolysis bullosa simplex with nail dystrophy; Epidermolysis bullosa simplex 5C, with pyloric atresia; Epidermolysis bullosa simplex 5B, with muscular dystrophy. Last evaluated: 2025-10-18. Review status: criteria provided, single submitter. Criteria: Invitae Variant Classification Sherloc (09022015). Collection method: clinical testing. Allele origin: germline.

Mayo Clinic Laboratories, Mayo Clinic
Classification: Likely benign. Last evaluated: 2025-10-12. Review status: criteria provided, single submitter. Criteria: ACMG Guidelines, 2015. Collection method: clinical testing. Allele origin: germline. Observed: 2 variant alleles.
Comment: BS1, BP4, BP7

Blueprint Genetics
Classification: Likely benign. Last evaluated: 2024-07-17. Review status: criteria provided, single submitter. Criteria: ACMG Guidelines, 2015. Collection method: clinical testing. Allele origin: germline.

Fulgent Genetics
Classification: Likely benign for Epidermolysis bullosa simplex, Ogna type; Epidermolysis bullosa simplex 5B, with muscular dystrophy; Junctional epidermolysis bullosa with pyloric atresia; Epidermolysis bullosa simplex 5C, with pyloric atresia; Autosomal recessive limb-girdle muscular dystrophy type 2Q; Epidermolysis bullosa simplex with nail dystrophy. Last evaluated: 2022-01-18. Review status: criteria provided, single submitter. Criteria: ACMG Guidelines, 2015. Collection method: clinical testing. Allele origin: unknown.

GeneDx
Classification: Likely benign. Last evaluated: 2018-08-15. Review status: criteria provided, single submitter. Criteria: GeneDx Variant Classification Process June 2021. Collection method: clinical testing. Allele origin: germline. Affected: yes.

Eurofins Ntd Llc (ga)
Classification: Likely benign. Last evaluated: 2016-09-29. Review status: criteria provided, single submitter. Criteria: EGL Classification Definitions 2015. Collection method: clinical testing. Allele origin: germline. Observed: 3 variant alleles, 3 heterozygotes.

Athena Diagnostics
Classification: Benign. Last evaluated: 2016-09-27. Review status: criteria provided, single submitter. Criteria: Athena Diagnostics Criteria. Collection method: clinical testing. Allele origin: germline.